The following is an entry in ClinVar:

NM_005751.5(AKAP9):c.8602T>A (p.Cys2868Ser)

Gene: AKAP9 (A-kinase anchoring protein 9; plus strand). Cytogenetic location: 7q21.2.
Variant type: single nucleotide variant.
Coding change: c.8602T>A on transcript NM_005751.5 (MANE Select); coding-DNA position 8602, T replaced by A.
Protein change: p.Cys2868Ser; replaces cysteine 2868 with serine.
Molecular consequence: missense variant.
Genome position (GRCh38, 1-based): chr7:92,083,611, T>A. VCF-style: chr7-92083611-T-A. GRCh37 (hg19) VCF-style: chr7-91712925-T-A.
Other names: c.3247T>A, p.Cys1083Ser (NM_001379277.1); c.8578T>A, p.Cys2860Ser (NM_147185.3); short protein forms C2860S, C2868S, C1083S.
Identifiers: ClinVar variation 4613421 (VCV004613421.1).

ClinVar aggregate classification (germline): Uncertain significance (1 of 4 stars; one submission).

Conditions:
Cardiovascular phenotype. Identifiers: MedGen CN230736.

Submission:

Ambry Genetics
Classification: Uncertain significance for Cardiovascular phenotype. Last evaluated: 2025-12-01. Review status: criteria provided, single submitter. Criteria: Ambry Variant Classification Scheme 2023. Collection method: clinical testing. Allele origin: germline.
Comment: The p.C2868S variant (also known as c.8602T>A), located in coding exon 33 of the AKAP9 gene, results from a T to A substitution at nucleotide position 8602. The cysteine at codon 2868 is replaced by serine, an amino acid with dissimilar properties. This amino acid position is conserved. In addition, the in silico prediction for this alteration is inconclusive. Based on the available evidence, the clinical significance of this variant remains unclear.